The following is an entry in ClinVar:

ClinVar aggregate classification (germline): Uncertain significance (1 of 4 stars; one submission).

Conditions:
Hereditary cancer-predisposing syndrome. Also called: Neoplastic Syndromes, Hereditary; Tumor predisposition; Hereditary Cancer Syndrome; Hereditary neoplastic syndrome. Identifiers: Orphanet 140162, MedGen C0027672, MeSH D009386, MONDO:0015356.

Submission:

Ambry Genetics
Classification: Uncertain significance for Hereditary cancer-predisposing syndrome. Last evaluated: 2015-03-13. Review status: criteria provided, single submitter. Criteria: Ambry Variant Classification Scheme 2023. Collection method: clinical testing. Allele origin: germline.
Comment: The p.D23V variant (also known as c.68A>T or 296A>T) is located in coding exon 2 of the BRCA2 gene. The aspartic acid at codon 23 is replaced by valine, an amino acid with highly dissimilar properties. This change occurs in the first base pair of exon 3 which makes it likely to have some effect on normal mRNA splicing. This variant was not reported in population based cohorts in the following databases: Database of Single Nucleotide Polymorphisms (dbSNP), NHLBI Exome Sequencing Project (ESP), and 1000 Genomes Project. In the ESP, this variant was not observed in 6494 samples (12988 alleles) with coverage at this position. To date, this alteration has been detected with an allele frequency of approximately 0.001% (greater than 105000 alleles tested) in our clinical cohort. This amino acid position is highly conserved in available vertebrate species. In addition, this alteration is predicted to be tolerated by in silico analysis. Since supporting evidence is limited at this time, the clinical significance of p.D23V remains unclear.

NM_000059.4(BRCA2):c.68A>T (p.Asp23Val)

Gene: BRCA2 (BRCA2 DNA repair associated; plus strand). Cytogenetic location: 13q13.1.
Variant type: single nucleotide variant.
Coding change: c.68A>T on transcript NM_000059.4 (MANE Select); coding-DNA position 68, A replaced by T.
Protein change: p.Asp23Val; replaces aspartic acid 23 with valine.
Molecular consequence: missense variant.
Genome position (GRCh38, 1-based): chr13:32,319,077, A>T. VCF-style: chr13-32319077-A-T. GRCh37 (hg19) VCF-style: chr13-32893214-A-T.
Other names: short protein forms D23V.
Identifiers: ClinVar variation 230955 (VCV000230955.5), dbSNP rs774521832, ClinGen allele CA10579444.